The following is an entry in ClinVar:

NM_000814.6(GABRB3):c.485T>C (p.Met162Thr)

Gene: GABRB3 (gamma-aminobutyric acid type A receptor subunit beta3; minus strand). Cytogenetic location: 15q12.
Variant type: single nucleotide variant.
Coding change: c.485T>C on transcript NM_000814.6 (MANE Select); coding-DNA position 485, T replaced by C.
Protein change: p.Met162Thr; replaces methionine 162 with threonine.
Molecular consequence: missense variant.
Genome position (GRCh38, 1-based): chr15:26,583,391, A>G on the plus strand (T>C on the coding strand, the complement: GABRB3 is on the minus strand). VCF-style: chr15-26583391-A-G. GRCh37 (hg19) VCF-style: chr15-26828538-A-G.
Other names: c.230T>C, p.Met77Thr (NM_001191320.2, NM_001278631.2); c.272T>C, p.Met91Thr (NM_001191321.3); c.485T>C, p.Met162Thr (NM_021912.5); short protein forms M162T, M77T, M91T.
Identifiers: ClinVar variation 452365 (VCV000452365.2), dbSNP rs1555368636, ClinGen allele CA391458100.

ClinVar aggregate classification (germline): Likely pathogenic (1 of 4 stars; one submission).

Submission:

GeneDx
Classification: Likely pathogenic. Last evaluated: 2017-09-26. Review status: criteria provided, single submitter. Criteria: GeneDx Variant Classification (06012015). Collection method: clinical testing. Allele origin: germline. Affected: yes.
Comment: The M162T variant in the GABRB3 gene has not been reported previously as a pathogenic variant,nor as a benign variant, to our knowledge. The variant is not observed in large population cohorts(Lek et al., 2016). The variant is a non-conservative amino acid substitution, which is likely to impactsecondary protein structure as these residues differ in polarity, charge, size and/or other properties.This substitution occurs at a position that is conserved across species. In silico analysis predicts thisvariant is probably damaging to the protein structure/function. We interpret M162T as a likelypathogenic variant.